The following is an entry in ClinVar:

ClinVar aggregate classification (germline): Pathogenic (1 of 4 stars; one submission).

Conditions:
Inborn genetic diseases. Identifiers: MedGen C0950123, MeSH D030342.

Submission:

Ambry Genetics
Classification: Pathogenic for Inborn genetic diseases. Last evaluated: 2026-04-04. Review status: criteria provided, single submitter. Criteria: Ambry Variant Classification Scheme 2023. Collection method: clinical testing. Allele origin: germline.
Comment: The c.1903C>T (p.Q635*) alteration, located in exon 12 (coding exon 11) of the POGZ gene, consists of a C to T substitution at nucleotide position 1903. This changes the amino acid from a glutamine (Q) to a stop codon at amino acid position 635. This variant is expected to result in loss of function by premature protein truncation or nonsense-mediated mRNA decay. This variant was not reported in population-based cohorts in the Genome Aggregation Database (gnomAD). Based on the available evidence, this alteration is classified as pathogenic.

NM_015100.4(POGZ):c.1903C>T (p.Gln635Ter)

Gene: POGZ (pogo transposable element derived with ZNF domain; minus strand). Cytogenetic location: 1q21.3.
Variant type: single nucleotide variant.
Coding change: c.1903C>T on transcript NM_015100.4 (MANE Select); coding-DNA position 1903, C replaced by T.
Protein change: p.Gln635Ter; replaces glutamine 635 with a stop codon.
Molecular consequence: nonsense.
Genome position (GRCh38, 1-based): chr1:151,411,648, G>A on the plus strand (C>T on the coding strand, the complement: POGZ is on the minus strand). VCF-style: chr1-151411648-G-A. GRCh37 (hg19) VCF-style: chr1-151384124-G-A.
Other names: c.1876C>T, p.Gln626Ter (NM_001194937.2); c.1717C>T, p.Gln573Ter (NM_001194938.2); c.1924C>T, p.Gln642Ter (NM_001410860.1); c.1618C>T, p.Gln540Ter (NM_145796.4); c.1744C>T, p.Gln582Ter (NM_207171.2); short protein forms Q540*, Q573*, Q582*, Q626*, Q635*, Q642*.
Identifiers: ClinVar variation 4862141 (VCV004862141.1).